The following is an entry in ClinVar:

ClinVar aggregate classification (germline): Uncertain significance (1 of 4 stars; one submission).

Conditions:
Weaver syndrome (WVS). Also called: Weaver Smith syndrome; Overgrowth syndrome with accelerated skeletal maturation, unusual facies, and camptodactyly. Identifiers: Orphanet 3447, MedGen C0265210, MONDO:0010193, OMIM 277590.

Submission:

Labcorp Genetics (formerly Invitae), Labcorp
Classification: Uncertain significance for Weaver syndrome. Last evaluated: 2020-01-08. Review status: criteria provided, single submitter. Criteria: Invitae Variant Classification Sherloc (09022015). Collection method: clinical testing. Allele origin: germline.
Comment: This variant has not been reported in the literature in individuals with EZH2-related conditions. In summary, the available evidence is currently insufficient to determine the role of this variant in disease. Therefore, it has been classified as a Variant of Uncertain Significance. Algorithms developed to predict the effect of missense changes on protein structure and function are either unavailable or do not agree on the potential impact of this missense change (SIFT: "Tolerated"; PolyPhen-2: "Probably Damaging"; Align-GVGD: "Class C0"). This variant is not present in population databases (ExAC no frequency). This sequence change replaces serine with proline at codon 271 of the EZH2 protein (p.Ser271Pro). The serine residue is moderately conserved and there is a moderate physicochemical difference between serine and proline.

NM_004456.5(EZH2):c.811T>C (p.Ser271Pro)

Gene: EZH2 (enhancer of zeste 2 polycomb repressive complex 2 subunit; minus strand). Cytogenetic location: 7q36.1.
Variant type: single nucleotide variant.
Coding change: c.811T>C on transcript NM_004456.5 (MANE Select); coding-DNA position 811, T replaced by C.
Protein change: p.Ser271Pro; replaces serine 271 with proline.
Molecular consequence: missense variant.
Genome position (GRCh38, 1-based): chr7:148,826,550, A>G on the plus strand (T>C on the coding strand, the complement: EZH2 is on the minus strand). VCF-style: chr7-148826550-A-G. GRCh37 (hg19) VCF-style: chr7-148523642-A-G.
Other names: c.811T>C, p.Ser271Pro (NM_001203247.2); c.784T>C, p.Ser262Pro (NM_001203248.2, NM_001203249.2); c.694T>C, p.Ser232Pro (NM_152998.3); short protein forms S232P, S262P, S271P.
Identifiers: ClinVar variation 1056583 (VCV001056583.10), dbSNP rs2129475506, ClinGen allele CA369719320.